The following is an entry in ClinVar:

ClinVar aggregate classification (germline): Pathogenic (1 of 4 stars; one submission).

Conditions:
Duchenne muscular dystrophy (DMD). Also called: MUSCULAR DYSTROPHY, PSEUDOHYPERTROPHIC PROGRESSIVE, DUCHENNE TYPE; Duchenne Muscular Dystrophy (DMD). Identifiers: Orphanet 98896, MedGen C0013264, MONDO:0010679, OMIM 310200.

Submission:

Centro de Genética y Biología Molecular, Universidad de San Martín de Porres
Classification: Pathogenic for Duchenne muscular dystrophy. Review status: criteria provided, single submitter. Criteria: ACMG Guidelines, 2015. Collection method: clinical testing. Allele origin: germline. Inheritance: X-linked inheritance. Affected: yes. Observed: 1 compound heterozygote.
Comment: The c.2945T>A variant has been reported in Leiden Open (source) Variation Database (LOVD) version 3.0 to be classified as pathogenic evidence.

NM_004006.3(DMD):c.2945T>A (p.Leu982Ter)

Gene: DMD (dystrophin; minus strand). Cytogenetic location: Xp21.1.
Variant type: single nucleotide variant.
Coding change: c.2945T>A on transcript NM_004006.3 (MANE Select); coding-DNA position 2945, T replaced by A.
Protein change: p.Leu982Ter; replaces leucine 982 with a stop codon.
Molecular consequence: nonsense.
Genome position (GRCh38, 1-based): chrX:32,472,168, A>T on the plus strand (T>A on the coding strand, the complement: DMD is on the minus strand). VCF-style: chrX-32472168-A-T. GRCh37 (hg19) VCF-style: chrX-32490285-A-T.
Other names: c.2921T>A, p.Leu974Ter (NM_000109.4); c.2933T>A, p.Leu978Ter (NM_004009.3); c.2576T>A, p.Leu859Ter (NM_004010.3); short protein forms L859*, L974*, L978*, L982*.
Identifiers: ClinVar variation 984428 (VCV000984428.3), dbSNP rs2040710629, ClinGen allele CA412667730.